The following is an entry in ClinVar:

ClinVar aggregate classification (germline): Uncertain significance (1 of 4 stars; one submission).

Conditions:
Inborn genetic diseases. Identifiers: MedGen C0950123, MeSH D030342.

Allele frequency attached by ClinVar (database versions not stated): gnomAD exomes below 0.00001; TOPMed below 0.00001.
gnomAD v4.1: 3 of 1,613,186 alleles (0.00019%); highest among the groups gnomAD compares: Non-Finnish European, 0.00025%; no homozygotes.

Submission:

Ambry Genetics
Classification: Uncertain significance for Inborn genetic diseases. Last evaluated: 2022-10-15. Review status: criteria provided, single submitter. Criteria: Ambry Variant Classification Scheme 2023. Collection method: clinical testing. Allele origin: germline.
Comment: The p.C607Y variant (also known as c.1820G>A), located in coding exon 8 of the ATR gene, results from a G to A substitution at nucleotide position 1820. The cysteine at codon 607 is replaced by tyrosine, an amino acid with highly dissimilar properties. This amino acid position is conserved. In addition, this alteration is predicted to be tolerated by in silico analysis. Since supporting evidence is limited at this time, the clinical significance of this alteration remains unclear.

NM_001184.4(ATR):c.1820G>A (p.Cys607Tyr)

Gene: ATR (ATR checkpoint kinase; minus strand). Cytogenetic location: 3q23.
Variant type: single nucleotide variant.
Coding change: c.1820G>A on transcript NM_001184.4 (MANE Select); coding-DNA position 1820, G replaced by A.
Protein change: p.Cys607Tyr; replaces cysteine 607 with tyrosine.
Molecular consequence: missense variant.
Genome position (GRCh38, 1-based): chr3:142,558,689, C>T on the plus strand (G>A on the coding strand, the complement: ATR is on the minus strand). VCF-style: chr3-142558689-C-T. GRCh37 (hg19) VCF-style: chr3-142277531-C-T.
Other names: c.1628G>A, p.Cys543Tyr (NM_001354579.2); short protein forms C543Y, C607Y.
Identifiers: ClinVar variation 1780760 (VCV001780760.2), dbSNP rs2034771902, ClinGen allele CA354821021.
Genomic context (GRCh38, chr3:142,558,689, plus strand): 5'-CTATCTGAAATCCTACAGCTTAATGTTAGAAGATTAGCGGCAAATGTGGTCAACTTTAAA[C>T]AGCCATCATCAGAATGGGAATAAATCCATGGAAGTGAGAGCATACCACATAAATCTTCCA-3'
Protein context (NP_001175.2, residues 597-617): PWIYSHSDDG[Cys607Tyr]LKLTTFAANL